The following is an entry in ClinVar:

NM_032608.7(MYO18B):c.1033G>A (p.Ala345Thr)

Gene: MYO18B (myosin XVIIIB; plus strand). Cytogenetic location: 22q12.1.
Variant type: single nucleotide variant.
Coding change: c.1033G>A on transcript NM_032608.7 (MANE Select); coding-DNA position 1033, G replaced by A.
Protein change: p.Ala345Thr; replaces alanine 345 with threonine.
Molecular consequence: missense variant.
Genome position (GRCh38, 1-based): chr22:25,768,949, G>A. VCF-style: chr22-25768949-G-A. GRCh37 (hg19) VCF-style: chr22-26164916-G-A.
Other names: c.1033G>A, p.Ala345Thr (NM_001318245.2); c.1033G>A (NM_032608.5); short protein forms A345T.
Identifiers: ClinVar variation 2421451 (VCV002421451.5), dbSNP rs900918325, ClinGen allele CA322779547.

ClinVar aggregate classification (germline): Uncertain significance. Review status: criteria provided, multiple submitters, no conflicts (2 of 4 stars). 2 submissions from 2 submitters: Uncertain significance (2). Last evaluated 2023-02-13.

Conditions:
Inborn genetic diseases. Identifiers: MedGen C0950123, MeSH D030342.

Allele frequency attached by ClinVar (database versions not stated): gnomAD exomes 0.00001; gnomAD 0.00005; TOPMed 0.00006.
gnomAD v4.1: 17 of 1,611,890 alleles (0.0011%); highest among the groups gnomAD compares: African/African-American, 0.019%; no homozygotes.

Submissions (2):

Ambry Genetics
Classification: Uncertain significance for Inborn genetic diseases. Last evaluated: 2023-02-13. Review status: criteria provided, single submitter. Criteria: Ambry Variant Classification Scheme 2023. Collection method: clinical testing. Allele origin: germline.

Labcorp Genetics (formerly Invitae), Labcorp
Classification: Uncertain significance. Last evaluated: 2022-10-30. Review status: criteria provided, single submitter. Criteria: Invitae Variant Classification Sherloc (09022015). Collection method: clinical testing. Allele origin: germline.
Comment: This sequence change replaces alanine, which is neutral and non-polar, with threonine, which is neutral and polar, at codon 345 of the MYO18B protein (p.Ala345Thr). This variant is present in population databases (no rsID available, gnomAD 0.03%). This variant has not been reported in the literature in individuals affected with MYO18B-related conditions. Algorithms developed to predict the effect of missense changes on protein structure and function output the following: SIFT: "Not Available"; PolyPhen-2: "Benign"; Align-GVGD: "Not Available". The threonine amino acid residue is found in multiple mammalian species, which suggests that this missense change does not adversely affect protein function. In summary, the available evidence is currently insufficient to determine the role of this variant in disease. Therefore, it has been classified as a Variant of Uncertain Significance.